The following is an entry in ClinVar:

NM_000128.4(F11):c.1613C>A (p.Pro538His)

Genes: F11 (coagulation factor XI; plus strand), F11-AS1 (F11 antisense RNA 1; minus strand). Cytogenetic location: 4q35.2.
Variant type: single nucleotide variant.
Coding change: c.1613C>A on transcript NM_000128.4 (MANE Select); coding-DNA position 1613, C replaced by A.
Protein change: p.Pro538His; replaces proline 538 with histidine.
Molecular consequence: missense variant.
Genome position (GRCh38, 1-based): chr4:186,287,720, C>A. VCF-style: chr4-186287720-C-A. GRCh37 (hg19) VCF-style: chr4-187208874-C-A.
Other names: short protein forms P538H.
Identifiers: ClinVar variation 3907341 (VCV003907341.1).
Genomic context (GRCh38, chr4:186,287,720, plus strand): 5'-ACGAACCAAAAAAATTTTTTTCAGACAAAATACAAAATACTCTCCAGAAAGCCAAGATAC[C>A]CTTAGTGACCAACGAAGAGTGCCAGAAGAGATACAGAGGACATAAAATAACCCATAAGAT-3'
Protein context (NP_000119.1, residues 528-548): IQNTLQKAKI[Pro538His]LVTNEECQKR

ClinVar aggregate classification (germline): Uncertain significance (1 of 4 stars; one submission).

gnomAD v4.1: 4 of 1,613,036 alleles (0.00025%); highest among the groups gnomAD compares: Non-Finnish European, 0.00034%; no homozygotes.

Submission:

Women's Health and Genetics/Laboratory Corporation of America, LabCorp
Classification: Uncertain significance. Last evaluated: 2025-06-05. Review status: criteria provided, single submitter. Criteria: LabCorp Variant Classification Summary - May 2015. Collection method: clinical testing. Allele origin: germline.
Comment: Variant summary: F11 c.1613C>A (p.Pro538His) results in a non-conservative amino acid change in the encoded protein sequence. Algorithms developed to predict the effect of missense changes on protein structure and function all suggest that this variant is likely to be disruptive. The variant allele was found at a frequency of 4e-06 in 251442 control chromosomes. The available data on variant occurrences in the general population are insufficient to allow any conclusion about variant significance. To our knowledge, no occurrence of c.1613C>A in individuals affected with Hereditary factor XI deficiency disease and no experimental evidence demonstrating its impact on protein function have been reported. No submitters have cited clinical-significance assessments for this variant to ClinVar. Based on the evidence outlined above, the variant was classified as uncertain significance.